The following is an entry in ClinVar:

NM_006302.3(MOGS):c.881del (p.Pro294fs)

Gene: MOGS (mannosyl-oligosaccharide glucosidase; minus strand). Cytogenetic location: 2p13.1.
Variant type: Deletion.
Coding change: c.881del on transcript NM_006302.3 (MANE Select); coding-DNA position 881, one base deleted (C; older notation c.881delC).
Protein change: p.Pro294fs; shifts the reading frame from proline 294.
Molecular consequence: frameshift variant.
Genome position (GRCh38, 1-based): chr2:74,462,908, G deleted on the plus strand (C on the coding strand, the reverse complement: MOGS is on the minus strand); the first of 7 consecutive G bases (chr2:74,462,908-74,462,914); deleting any one gives the same sequence. VCF-style (leftmost placement, unchanged base first): chr2-74462907-AG-A. GRCh37 (hg19) VCF-style: chr2-74690034-AG-A.
Other names: c.563del, p.Pro188fs (NM_001146158.2); short protein forms P294fs, P188fs.
Identifiers: ClinVar variation 2846552 (VCV002846552.3), dbSNP rs750486813, ClinGen allele CA1724893.

ClinVar aggregate classification (germline): Pathogenic (1 of 4 stars; one submission).

Conditions:
MOGS-congenital disorder of glycosylation. Also called: CDG 2B; MOGS-CDG; CDG IIb; GLUCOSIDASE I DEFICIENCY. Identifiers: Orphanet 79330, MedGen C1853736, MONDO:0011629, OMIM 606056.

Submission:

Labcorp Genetics (formerly Invitae), Labcorp
Classification: Pathogenic for MOGS-congenital disorder of glycosylation. Last evaluated: 2025-02-21. Review status: criteria provided, single submitter. Criteria: Invitae Variant Classification Sherloc (09022015). Collection method: clinical testing. Allele origin: germline.
Comment: This sequence change creates a premature translational stop signal (p.Pro294Leufs*11) in the MOGS gene. While this is not anticipated to result in nonsense mediated decay, it is expected to disrupt the last 544 amino acid(s) of the MOGS protein. This variant is present in population databases (rs758620366, gnomAD 0.01%). This variant has not been reported in the literature in individuals affected with MOGS-related conditions. ClinVar contains an entry for this variant (Variation ID: 2846552). This variant disrupts a region of the MOGS protein in which other variant(s) ( p.Asp414Leufs*17) have been determined to be pathogenic (PMID: 29235540, 30587846; internal data). This suggests that this is a clinically significant region of the protein, and that variants that disrupt it are likely to be disease-causing. For these reasons, this variant has been classified as Pathogenic.

Literature cited by the submitters: PubMed 29235540; PubMed 30587846.